The following is an entry in ClinVar:

ClinVar aggregate classification (germline): Uncertain significance (1 of 4 stars; one submission).

Allele frequency attached by ClinVar (database versions not stated): gnomAD exomes 0.00002; ExAC 0.00009; 1000 Genomes Project 30x 0.00016; 1000 Genomes Project 0.00020.
gnomAD v4.1: 30 of 1,514,570 alleles (0.002%); highest among the groups gnomAD compares: African/African-American, 0.0055%; no homozygotes.

Submission:

Labcorp Genetics (formerly Invitae), Labcorp
Classification: Uncertain significance. Last evaluated: 2022-07-27. Review status: criteria provided, single submitter. Criteria: Invitae Variant Classification Sherloc (09022015). Collection method: clinical testing. Allele origin: germline.
Comment: This sequence change replaces serine, which is neutral and polar, with leucine, which is neutral and non-polar, at codon 582 of the FAM20C protein (p.Ser582Leu). This variant is present in population databases (rs537240435, gnomAD 0.01%). This variant has not been reported in the literature in individuals affected with FAM20C-related conditions. ClinVar contains an entry for this variant (Variation ID: 1363729). Algorithms developed to predict the effect of missense changes on protein structure and function (SIFT, PolyPhen-2, Align-GVGD) all suggest that this variant is likely to be tolerated. In summary, the available evidence is currently insufficient to determine the role of this variant in disease. Therefore, it has been classified as a Variant of Uncertain Significance.

NM_020223.4(FAM20C):c.1745C>T (p.Ser582Leu)

Gene: FAM20C (FAM20C golgi associated secretory pathway kinase; plus strand). Cytogenetic location: 7p22.3.
Variant type: single nucleotide variant.
Coding change: c.1745C>T on transcript NM_020223.4 (MANE Select); coding-DNA position 1745, C replaced by T.
Protein change: p.Ser582Leu; replaces serine 582 with leucine.
Molecular consequence: missense variant.
Genome position (GRCh38, 1-based): chr7:259,970, C>T. VCF-style: chr7-259970-C-T. GRCh37 (hg19) VCF-style: chr7-299936-C-T.
Other names: short protein forms S582L.
Identifiers: ClinVar variation 1363729 (VCV001363729.5), dbSNP rs537240435, ClinGen allele CA4109231.